The following is an entry in ClinVar:

NM_004453.4(ETFDH):c.1178A>G (p.Asn393Ser)

Gene: ETFDH (electron transfer flavoprotein dehydrogenase; plus strand). Cytogenetic location: 4q32.1.
Variant type: single nucleotide variant.
Coding change: c.1178A>G on transcript NM_004453.4 (MANE Select); coding-DNA position 1178, A replaced by G.
Protein change: p.Asn393Ser; replaces asparagine 393 with serine.
Molecular consequence: missense variant.
Genome position (GRCh38, 1-based): chr4:158,703,484, A>G. VCF-style: chr4-158703484-A-G. GRCh37 (hg19) VCF-style: chr4-159624636-A-G.
Other names: p.Asn393Ser; c.1037A>G, p.Asn346Ser (NM_001281737.2); c.995A>G, p.Asn332Ser (NM_001281738.1); short protein forms N393S, N346S, N332S.
Identifiers: ClinVar variation 1920130 (VCV001920130.4), dbSNP rs2476720924, ClinGen allele CA358562892.

ClinVar aggregate classification (germline): Uncertain significance. Review status: criteria provided, multiple submitters, no conflicts (2 of 4 stars). 2 submissions from 2 submitters: Uncertain significance (2). Last evaluated 2023-12-18.

Conditions:
Multiple acyl-CoA dehydrogenase deficiency (MADD). Also called: ETHYLMALONIC-ADIPICACIDURIA; GA II; Glutaric aciduria, type 2; Glutaric acidemia type II; GA 2; Glutaric Acidemia type 2. Identifiers: Orphanet 26791, MedGen C0268596, MONDO:0009282, OMIM 231680.

Allele frequency attached by ClinVar (database versions not stated): gnomAD exomes below 0.00001.

Submissions (2):

Mayo Clinic Laboratories, Mayo Clinic
Classification: Uncertain significance. Last evaluated: 2023-12-18. Review status: criteria provided, single submitter. Criteria: ACMG Guidelines, 2015. Collection method: clinical testing. Allele origin: germline. Observed: 1 variant allele.
Comment: PP3, PM2_moderate

Labcorp Genetics (formerly Invitae), Labcorp
Classification: Uncertain significance for Multiple acyl-CoA dehydrogenase deficiency. Last evaluated: 2023-09-12. Review status: criteria provided, single submitter. Criteria: Invitae Variant Classification Sherloc (09022015). Collection method: clinical testing. Allele origin: germline.
Comment: This sequence change replaces asparagine, which is neutral and polar, with serine, which is neutral and polar, at codon 393 of the ETFDH protein (p.Asn393Ser). This variant is not present in population databases (gnomAD no frequency). This variant has not been reported in the literature in individuals affected with ETFDH-related conditions. ClinVar contains an entry for this variant (Variation ID: 1920130). Advanced modeling of protein sequence and biophysical properties (such as structural, functional, and spatial information, amino acid conservation, physicochemical variation, residue mobility, and thermodynamic stability) performed at Invitae indicates that this missense variant is expected to disrupt ETFDH protein function. In summary, the available evidence is currently insufficient to determine the role of this variant in disease. Therefore, it has been classified as a Variant of Uncertain Significance.